The following is an entry in ClinVar:

ClinVar aggregate classification (germline): Likely benign (0 of 4 stars; one submission).

Conditions:
PDX1-related disorder. Also called: PDX1-related disorders; PDX1-related condition.

Allele frequency attached by ClinVar (database versions not stated): ExAC 0.00032; gnomAD 0.00055; 1000 Genomes Project 30x 0.00187; 1000 Genomes Project 0.00200.

Submission:

PreventionGenetics, part of Exact Sciences
Classification: Likely benign for PDX1-related condition. Last evaluated: 2023-07-28. Review status: no assertion criteria provided. Collection method: clinical testing. Allele origin: germline.
Comment: This variant is classified as likely benign based on ACMG/AMP sequence variant interpretation guidelines (Richards et al. 2015 PMID: 25741868, with internal and published modifications).

NM_000209.4(PDX1):c.-25C>T

Gene: PDX1 (pancreatic and duodenal homeobox 1; plus strand). Cytogenetic location: 13q12.2.
Variant type: single nucleotide variant.
Coding change: c.-25C>T on transcript NM_000209.4 (MANE Select); 25 bases upstream of the start codon, C replaced by T.
Molecular consequence: 5 prime UTR variant.
Genome position (GRCh38, 1-based): chr13:27,920,114, C>T. VCF-style: chr13-27920114-C-T. GRCh37 (hg19) VCF-style: chr13-28494251-C-T.
Identifiers: ClinVar variation 3053922 (VCV003053922.2), dbSNP rs557174897, ClinGen allele CA6927572.